The following is an entry in ClinVar:

ClinVar aggregate classification (germline): Uncertain significance (1 of 4 stars; one submission).

gnomAD v4.1: 1 of 1,574,820 alleles (0.000063%); highest among the groups gnomAD compares: Non-Finnish European, 0.000087%; no homozygotes.

Submission:

CeGaT Center for Human Genetics Tuebingen
Classification: Uncertain significance. Last evaluated: 2022-11-01. Review status: criteria provided, single submitter. Criteria: CeGaT Center For Human Genetics Tuebingen Variant Classification Criteria Version 2. Collection method: clinical testing. Allele origin: germline. Affected: yes. Observed: 1 variant allele.
Comment: RASA2: PS2:Moderate, PM2:Supporting, PP3

NM_006506.5(RASA2):c.1284G>A (p.Glu428=)

Gene: RASA2 (RAS p21 protein activator 2; plus strand). Cytogenetic location: 3q23.
Variant type: single nucleotide variant.
Coding change: c.1284G>A on transcript NM_006506.5 (MANE Select); coding-DNA position 1284, G replaced by A.
Protein change: p.Glu428=; no amino-acid change (glutamic acid 428 retained).
Molecular consequence: synonymous variant.
Genome position (GRCh38, 1-based): chr3:141,572,723, G>A. VCF-style: chr3-141572723-G-A. GRCh37 (hg19) VCF-style: chr3-141291565-G-A.
Other names: c.1284G>A, p.Glu428= (NM_001303245.3, NM_001303246.3).
Identifiers: ClinVar variation 2654201 (VCV002654201.24), dbSNP rs2478720748, ClinGen allele CA435898150.